The following is an entry in ClinVar:

ClinVar aggregate classification (germline): Pathogenic. Review status: reviewed by expert panel (3 of 4 stars). 11 submissions from 11 submitters: Pathogenic (1). 10 of the submissions do not count toward it. Last evaluated 2016-09-08.

Conditions:
Hereditary cancer-predisposing syndrome. Also called: Tumor predisposition; Hereditary Cancer Syndrome; Neoplastic Syndromes, Hereditary; Hereditary neoplastic syndrome. Identifiers: Orphanet 140162, MedGen C0027672, MeSH D009386, MONDO:0015356.
Hereditary breast ovarian cancer syndrome. Also called: Hereditary breast and/or ovarian cancer syndrome; BRCA1- and BRCA2-Associated Hereditary Breast and Ovarian Cancer; Hereditary breast and ovarian cancer; Hereditary breast and ovarian cancer syndrome (HBOC); Breast and ovarian cancer; Hereditary breast and ovarian cancer syndrome. Identifiers: Orphanet 145, MedGen C0677776, MeSH D061325, MONDO:0003582. Disease mechanism: loss of function.
Breast-ovarian cancer, familial, susceptibility to, 2 (BROVCA2). Also called: BRCA2 Hereditary Breast and Ovarian Cancer. Identifiers: Orphanet 145, MedGen C2675520, MONDO:0012933, OMIM 612555. Disease mechanism: loss of function.
Familial cancer of breast. Also called: Hereditary breast cancer; BREAST CANCER, FAMILIAL; hereditary breast carcinoma. Identifiers: Orphanet 227535, MedGen C0346153, MONDO:0016419, OMIM 114480. Disease mechanism: loss of function.

Allele frequency attached by ClinVar (database versions not stated): gnomAD exomes below 0.00001; ExAC 0.00001; gnomAD 0.00001.

Submissions (11):

Evidence-based Network for the Interpretation of Germline Mutant Alleles (ENIGMA)
Classification: Pathogenic for Breast-ovarian cancer, familial, susceptibility to, 2. Last evaluated: 2016-09-08. Review status: reviewed by expert panel. Criteria: ENIGMA BRCA1/2 Classification Criteria (2015). Collection method: curation. Allele origin: germline.
Comment: Variant allele predicted to encode a truncated non-functional protein.

Labcorp Genetics (formerly Invitae), Labcorp
Classification: Pathogenic for Hereditary breast ovarian cancer syndrome. Last evaluated: 2025-05-28. Review status: criteria provided, single submitter. Criteria: Invitae Variant Classification Sherloc (09022015). Collection method: clinical testing. Allele origin: germline. Not counted in ClinVar's aggregate classification.
Comment: This sequence change creates a premature translational stop signal (p.Pro2334Thrfs*6) in the BRCA2 gene. It is expected to result in an absent or disrupted protein product. Loss-of-function variants in BRCA2 are known to be pathogenic (PMID: 20104584). This variant is present in population databases (rs754611265, gnomAD 0.0009%). This premature translational stop signal has been observed in individual(s) with breast cancer (PMID: 27194814). ClinVar contains an entry for this variant (Variation ID: 219496). For these reasons, this variant has been classified as Pathogenic.

Institute of Human Genetics, University of Leipzig Medical Center
Classification: Pathogenic for Breast-ovarian cancer, familial, susceptibility to, 2. Last evaluated: 2025-05-19. Review status: criteria provided, single submitter. Criteria: ACMG Guidelines, 2015. Collection method: clinical testing. Allele origin: unknown. Inheritance: Autosomal dominant inheritance. Affected: yes. Not counted in ClinVar's aggregate classification.
Comment: Criteria applied: PVS1,PM5_STR,PM2_SUP

Laboratory of Genetics, Children's Clinical University Hospital Latvia
Classification: Pathogenic. Last evaluated: 2025-02-16. Review status: criteria provided, single submitter. Criteria: ACMG Guidelines, 2015. Collection method: clinical testing. Allele origin: germline. Affected: yes. Not counted in ClinVar's aggregate classification.

Women's Health and Genetics/Laboratory Corporation of America, LabCorp
Classification: Pathogenic for Hereditary breast ovarian cancer syndrome. Last evaluated: 2024-10-28. Review status: criteria provided, single submitter. Criteria: LabCorp Variant Classification Summary - May 2015. Collection method: clinical testing. Allele origin: germline. Not counted in ClinVar's aggregate classification.
Comment: Variant summary: BRCA2 c.6998dupT (p.Pro2334ThrfsX6) results in a premature termination codon, predicted to cause a truncation of the encoded protein or absence of the protein due to nonsense mediated decay, which are commonly known mechanisms for disease. The variant allele was found at a frequency of 4e-06 in 249368 control chromosomes. c.6998dupT has been reported in the literature in multiple individuals affected with Hereditary Breast And/or Ovarian Cancer Syndrome (example: Kechin_2023). These data indicate that the variant is very likely to be associated with disease. To our knowledge, no experimental evidence demonstrating an impact on protein function has been reported. The following publication has been ascertained in the context of this evaluation (PMID: 36367610). ClinVar contains an entry for this variant (Variation ID: 219496). Based on the evidence outlined above, the variant was classified as pathogenic.

Color Diagnostics, LLC DBA Color Health
Classification: Pathogenic for Hereditary cancer-predisposing syndrome. Last evaluated: 2023-03-06. Review status: criteria provided, single submitter. Criteria: ACMG Guidelines, 2015. Collection method: clinical testing. Allele origin: germline. Not counted in ClinVar's aggregate classification.
Comment: This variant inserts 1 nucleotide in exon 13 of the BRCA2 gene, creating a frameshift and premature translation stop signal. This variant is expected to result in an absent or non-functional protein product. This variant has been reported in individuals affected with breast, ovarian, or pancreatic cancer (PMID: 27194814, 28423363, 29928469, 34680878, Color internal data) and has been identified in five families among the CIMBA participants (PMID: 29446198). This variant has been identified in 1/249368 chromosomes in the general population by the Genome Aggregation Database (gnomAD). Loss of BRCA2 function is a known mechanism of disease. Based on the available evidence, this variant is classified as Pathogenic.

Ambry Genetics
Classification: Pathogenic for Hereditary cancer-predisposing syndrome. Last evaluated: 2023-01-17. Review status: criteria provided, single submitter. Criteria: Ambry Variant Classification Scheme 2023. Collection method: clinical testing. Allele origin: germline. Not counted in ClinVar's aggregate classification.
Comment: The c.6998dupT pathogenic mutation, located in coding exon 12 of the BRCA2 gene, results from a duplication of T at nucleotide position 6998, causing a translational frameshift with a predicted alternate stop codon (p.P2334Tfs*6). This alteration has been detected in patients with breast and/or ovarian cancer and in a large, worldwide study of BRCA1/2 mutation positive families (Winter C et al. Ann. Oncol., 2016 08;27:1532-8; Tedaldi G et al. Oncotarget, 2017 Jul;8:47064-47075; Maksimenko J et al. Hered Cancer Clin Pract, 2018 Jun;16:12; Rebbeck TR et al. Hum. Mutat., 2018 05;39:593-620). Additionally, this alteration has been detected in 0/3030 patients with pancreatic cancer and 1/123136 controls (Hu C et al. JAMA, 2018 06;319:2401-2409). In addition to the clinical data presented in the literature, this alteration is expected to result in loss of function by premature protein truncation or nonsense-mediated mRNA decay. As such, this alteration is interpreted as a disease-causing mutation.

GeneDx
Classification: Pathogenic. Last evaluated: 2018-03-09. Review status: criteria provided, single submitter. Criteria: GeneDx Variant Classification (06012015). Collection method: clinical testing. Allele origin: germline. Affected: yes. Not counted in ClinVar's aggregate classification.
Comment: The c.6998dupT variant in the BRCA2 gene has been seen in at least two women with breast cancer (Winter et al., 2016; Tedaldi et al., 2017). The duplication causes a frameshift which changes a Proline to a Threonine at codon 2334, and creates a premature stop codon at position 6 of the new reading frame, denoted Pro2334ThrfsX6. This variant is predicted to cause loss of normal protein function through either protein truncation or nonsense-mediated mRNA decay.

Laboratory for Molecular Medicine, Mass General Brigham Personalized Medicine
Classification: Pathogenic for Hereditary breast ovarian cancer syndrome. Last evaluated: 2017-07-20. Review status: criteria provided, single submitter. Criteria: LMM Criteria. Collection method: clinical testing. Allele origin: germline. Inheritance: Autosomal dominant inheritance. Observed: 1 variant allele. Not counted in ClinVar's aggregate classification.
Comment: The p.Pro2334ThrfsX6 variant in BRCA2 has been reported in 1 individual with bre ast cancer (Winter 2016) and has been identified in 1/111078 European chromosome s by the Genome Aggregation Database (gnomAD). This variant is predicted to cause a frameshift, which alters the protein?s ami no acid sequence beginning at position 2334 and leads to a premature termination codon 6 amino acids downstream. This alteration is then predicted to lead to a truncated or absent protein. Heterozygous loss of function of the BRCA2 gene is an established disease mechanism in individuals with hereditary breast and ovari an cancer (HBOC). In addition, this variant was classified as Pathogenic on Sept 8, 2016 by the ClinGen-approved ENIGMA expert panel (ClinVar SCV000301119.2). I n summary, this variant meets criteria to be classified as pathogenic for HBOC i n an autosomal dominant manner based upon the predicted impact to the protein an d absence from the general population. ACMG/AMP criteria applied: PVS1, PM2.

Baylor Genetics
Classification: Pathogenic for Familial cancer of breast. Last evaluated: 2017-02-23. Review status: criteria provided, single submitter. Criteria: ACMG Guidelines, 2015. Collection method: clinical testing. Allele origin: germline. Inheritance: Autosomal dominant inheritance. Affected: yes. Observed: 1 variant allele. Not counted in ClinVar's aggregate classification.

Consortium of Investigators of Modifiers of BRCA1/2 (CIMBA), c/o University of Cambridge
Classification: Pathogenic for Breast-ovarian cancer, familial, susceptibility to, 2. Last evaluated: 2015-10-02. Review status: criteria provided, single submitter. Criteria: CIMBA Mutation Classification guidelines May 2016. Collection method: clinical testing. Allele origin: germline. Not counted in ClinVar's aggregate classification.

Literature cited by the submitters: PubMed 20104584 (cited by Labcorp Genetics (formerly Invitae), Labcorp); PubMed 27194814 (cited by 4 submitters); PubMed 36367610 (cited by Women's Health and Genetics/Laboratory Corporation of America, LabCorp); PubMed 28423363 (cited by Color Diagnostics, LLC DBA Color Health and Ambry Genetics); PubMed 29446198 (cited by Color Diagnostics, LLC DBA Color Health and Ambry Genetics); PubMed 29928469 (cited by Color Diagnostics, LLC DBA Color Health and Ambry Genetics); PubMed 34680878 (cited by Color Diagnostics, LLC DBA Color Health); PubMed 29922827 (cited by Ambry Genetics); PubMed 30720243 (cited by Ambry Genetics).

NM_000059.4(BRCA2):c.6998dup (p.Pro2334fs)

Gene: BRCA2 (BRCA2 DNA repair associated; plus strand). Cytogenetic location: 13q13.1.
Variant type: Duplication.
Coding change: c.6998dup on transcript NM_000059.4 (MANE Select); coding-DNA position 6998, one base duplicated (T; older notation c.6998dupT).
Protein change: p.Pro2334fs; shifts the reading frame from proline 2334.
Molecular consequence: frameshift variant.
Genome position (GRCh38, 1-based): chr13:32,346,887, T duplicated. VCF-style (leftmost placement, unchanged base first): chr13-32346886-G-GT. GRCh37 (hg19) VCF-style: chr13-32921023-G-GT.
Other names: p.Pro2334ThrfsX6; c.6998dupT (NM_000059.3); short protein forms P2334fs.
Identifiers: ClinVar variation 219496 (VCV000219496.32), dbSNP rs754611265, ClinGen allele CA348970.